The following is an entry in ClinVar:

ClinVar aggregate classification (germline): Uncertain significance (1 of 4 stars; one submission).

Submission:

Labcorp Genetics (formerly Invitae), Labcorp
Classification: Uncertain significance. Last evaluated: 2023-11-15. Review status: criteria provided, single submitter. Criteria: Invitae Variant Classification Sherloc (09022015). Collection method: clinical testing. Allele origin: germline.
Comment: This sequence change replaces glycine, which is neutral and non-polar, with alanine, which is neutral and non-polar, at codon 391 of the HK1 protein (p.Gly391Ala). This variant is not present in population databases (gnomAD no frequency). This variant has not been reported in the literature in individuals affected with HK1-related conditions. Algorithms developed to predict the effect of missense changes on protein structure and function output the following: SIFT: "Not Available"; PolyPhen-2: "Benign"; Align-GVGD: "Not Available". The alanine amino acid residue is found in multiple mammalian species, which suggests that this missense change does not adversely affect protein function. In summary, the available evidence is currently insufficient to determine the role of this variant in disease. Therefore, it has been classified as a Variant of Uncertain Significance.

NM_000188.3(HK1):c.1172G>C (p.Gly391Ala)

Gene: HK1 (hexokinase 1; plus strand). Cytogenetic location: 10q22.1.
Variant type: single nucleotide variant.
Coding change: c.1172G>C on transcript NM_000188.3 (MANE Select); coding-DNA position 1172, G replaced by C.
Protein change: p.Gly391Ala; replaces glycine 391 with alanine.
Molecular consequence: missense variant.
Genome position (GRCh38, 1-based): chr10:69,380,002, G>C. VCF-style: chr10-69380002-G-C. GRCh37 (hg19) VCF-style: chr10-71139758-G-C.
Other names: c.1184G>C, p.Gly395Ala (NM_001322364.2, NM_001358263.1, NM_033497.3 and 1 more transcripts); c.1277G>C, p.Gly426Ala (NM_001322365.2); c.1088G>C, p.Gly363Ala (NM_001322366.1); c.1076G>C, p.Gly359Ala (NM_001322367.1); c.1169G>C, p.Gly390Ala (NM_033496.3); c.1136G>C, p.Gly379Ala (NM_033500.2); short protein forms G391A, G359A, G363A, G379A, G390A, G426A, G395A.
Identifiers: ClinVar variation 2796651 (VCV002796651.3), dbSNP rs2540411321, ClinGen allele CA376917495.